The following is an entry in ClinVar:

ClinVar aggregate classification (germline): Uncertain significance (1 of 4 stars; one submission).

Submission:

Labcorp Genetics (formerly Invitae), Labcorp
Classification: Uncertain significance. Last evaluated: 2024-05-31. Review status: criteria provided, single submitter. Criteria: Invitae Variant Classification Sherloc (09022015). Collection method: clinical testing. Allele origin: germline.
Comment: This sequence change replaces methionine, which is neutral and non-polar, with threonine, which is neutral and polar, at codon 261 of the ADAMTS17 protein (p.Met261Thr). This variant is not present in population databases (gnomAD no frequency). This variant has not been reported in the literature in individuals affected with ADAMTS17-related conditions. An algorithm developed to predict the effect of missense changes on protein structure and function (PolyPhen-2) suggests that this variant is likely to be tolerated. In summary, the available evidence is currently insufficient to determine the role of this variant in disease. Therefore, it has been classified as a Variant of Uncertain Significance.

NM_139057.4(ADAMTS17):c.782T>C (p.Met261Thr)

Gene: ADAMTS17 (ADAM metallopeptidase with thrombospondin type 1 motif 17; minus strand). Cytogenetic location: 15q26.3.
Variant type: single nucleotide variant.
Coding change: c.782T>C on transcript NM_139057.4 (MANE Select); coding-DNA position 782, T replaced by C.
Protein change: p.Met261Thr; replaces methionine 261 with threonine.
Molecular consequence: missense variant.
Genome position (GRCh38, 1-based): chr15:100,281,236, A>G on the plus strand (T>C on the coding strand, the complement: ADAMTS17 is on the minus strand). VCF-style: chr15-100281236-A-G. GRCh37 (hg19) VCF-style: chr15-100821441-A-G.
Other names: short protein forms M261T.
Identifiers: ClinVar variation 3692385 (VCV003692385.2).